The following is an entry in ClinVar:

NM_001103.4(ACTN2):c.1822C>T (p.Arg608Trp)

Gene: ACTN2 (actinin alpha 2; plus strand). Cytogenetic location: 1q43.
Variant type: single nucleotide variant.
Coding change: c.1822C>T on transcript NM_001103.4 (MANE Select); coding-DNA position 1822, C replaced by T.
Protein change: p.Arg608Trp; replaces arginine 608 with tryptophan.
Molecular consequence: missense variant.
Genome position (GRCh38, 1-based): chr1:236,751,635, C>T. VCF-style: chr1-236751635-C-T. GRCh37 (hg19) VCF-style: chr1-236914935-C-T.
Other names: c.1822C>T, p.Arg608Trp (NM_001278343.2); c.1198C>T, p.Arg400Trp (NM_001278344.2); short protein forms R608W, R400W.
Identifiers: ClinVar variation 43916 (VCV000043916.20), dbSNP rs397516571, ClinGen allele CA133152.

ClinVar aggregate classification (germline): Conflicting classifications of pathogenicity. Review status: criteria provided, conflicting classifications (1 of 4 stars). 5 submissions from 5 submitters: Uncertain significance (4); Likely benign (1). Last evaluated 2025-09-17.

Conditions:
Cardiovascular phenotype. Identifiers: MedGen CN230736.
Dilated cardiomyopathy 1AA (CMD1AA). Also called: Cardiomyopathy, dilated, 1AA, with or without LVNC; CARDIOMYOPATHY, DILATED, 1AA, WITH OR WITHOUT LEFT VENTRICULAR NONCOMPACTION; CARDIOMYOPATHY, FAMILIAL HYPERTROPHIC, 23, WITH OR WITHOUT LEFT VENTRICULAR NONCOMPACTION. Identifiers: Orphanet 154, MedGen C2677338, MONDO:0012808, OMIM 612158.
Primary familial hypertrophic cardiomyopathy (HCM). Identifiers: Orphanet 99739, MedGen C0949658, MeSH D024741, MONDO:0024573. Inheritance: Various modes of inheritance.

Allele frequency attached by ClinVar (database versions not stated): ExAC 0.00001; gnomAD exomes 0.00001 and 0.00002; gnomAD 0.00002 and 0.00003; TOPMed 0.00002.
gnomAD v4.1: 19 of 1,613,748 alleles (0.0012%); highest among the groups gnomAD compares: Admixed American, 0.0017%; no homozygotes.

Submissions (5):

Labcorp Genetics (formerly Invitae), Labcorp
Classification: Likely benign for Primary familial hypertrophic cardiomyopathy; Dilated cardiomyopathy 1AA. Last evaluated: 2025-09-17. Review status: criteria provided, single submitter. Criteria: Invitae Variant Classification Sherloc (09022015). Collection method: clinical testing. Allele origin: germline.

Revvity Omics, Revvity
Classification: Uncertain significance. Last evaluated: 2023-06-30. Review status: criteria provided, single submitter. Criteria: ACMG Guidelines, 2015. Collection method: clinical testing. Allele origin: germline.

GeneDx
Classification: Uncertain significance. Last evaluated: 2022-04-29. Review status: criteria provided, single submitter. Criteria: GeneDx Variant Classification Process June 2021. Collection method: clinical testing. Allele origin: germline. Affected: yes.
Comment: Not observed at significant frequency in large population cohorts (gnomAD); In silico analysis supports that this missense variant has a deleterious effect on protein structure/function; Has not been previously published as pathogenic or benign to our knowledge

Ambry Genetics
Classification: Uncertain significance for Cardiovascular phenotype. Last evaluated: 2020-09-09. Review status: criteria provided, single submitter. Criteria: Ambry Variant Classification Scheme 2023. Collection method: clinical testing. Allele origin: germline.

Laboratory for Molecular Medicine, Mass General Brigham Personalized Medicine
Classification: Uncertain significance. Last evaluated: 2012-08-02. Review status: criteria provided, single submitter. Criteria: LMM Criteria. Collection method: clinical testing. Allele origin: germline. Observed: 1 variant allele.
Comment: The Arg608Trp variant in ACTN2 has not been reported in the literature nor previ ously identified by our laboratory. Computational analyses (biochemical amino ac id properties, conservation, AlignGVGD, PolyPhen2, and SIFT) predict an impact t o the protein but their accuracy is unknown. Additional information is needed to fully assess the clinical significance of this variant.